The following is an entry in ClinVar:

ClinVar aggregate classification (germline): Uncertain significance (1 of 4 stars; one submission).

Allele frequency attached by ClinVar (database versions not stated): gnomAD exomes below 0.00001.
gnomAD v4.1: 1 of 1,611,710 alleles (0.000062%); highest among the groups gnomAD compares: Non-Finnish European, 0.000085%; no homozygotes.

Submission:

Labcorp Genetics (formerly Invitae), Labcorp
Classification: Uncertain significance. Last evaluated: 2022-03-04. Review status: criteria provided, single submitter. Criteria: Invitae Variant Classification Sherloc (09022015). Collection method: clinical testing. Allele origin: germline.
Comment: This variant is not present in population databases (gnomAD no frequency). In summary, the available evidence is currently insufficient to determine the role of this variant in disease. Therefore, it has been classified as a Variant of Uncertain Significance. Algorithms developed to predict the effect of missense changes on protein structure and function (SIFT, PolyPhen-2, Align-GVGD) all suggest that this variant is likely to be disruptive. This variant has not been reported in the literature in individuals affected with S1PR2-related conditions. This sequence change replaces tyrosine, which is neutral and polar, with cysteine, which is neutral and slightly polar, at codon 288 of the S1PR2 protein (p.Tyr288Cys).

NM_004230.4(S1PR2):c.863A>G (p.Tyr288Cys)

Gene: S1PR2 (sphingosine-1-phosphate receptor 2; minus strand). Cytogenetic location: 19p13.2.
Variant type: single nucleotide variant.
Coding change: c.863A>G on transcript NM_004230.4 (MANE Select); coding-DNA position 863, A replaced by G.
Protein change: p.Tyr288Cys; replaces tyrosine 288 with cysteine.
Molecular consequence: missense variant.
Genome position (GRCh38, 1-based): chr19:10,224,043, T>C on the plus strand (A>G on the coding strand, the complement: S1PR2 is on the minus strand). VCF-style: chr19-10224043-T-C. GRCh37 (hg19) VCF-style: chr19-10334719-T-C.
Other names: short protein forms Y288C.
Identifiers: ClinVar variation 2061068 (VCV002061068.4), dbSNP rs2513958866, ClinGen allele CA403945721.